The following is an entry in ClinVar:

NM_004446.3(EPRS1):c.408A>C (p.Glu136Asp)

Gene: EPRS1 (glutamyl-prolyl-tRNA synthetase 1; minus strand). Cytogenetic location: 1q41.
Variant type: single nucleotide variant.
Coding change: c.408A>C on transcript NM_004446.3 (MANE Select); coding-DNA position 408, A replaced by C.
Protein change: p.Glu136Asp; replaces glutamic acid 136 with aspartic acid.
Molecular consequence: missense variant.
Genome position (GRCh38, 1-based): chr1:220,032,507, T>G on the plus strand (A>C on the coding strand, the complement: EPRS1 is on the minus strand). VCF-style: chr1-220032507-T-G. GRCh37 (hg19) VCF-style: chr1-220205849-T-G.
Other names: short protein forms E136D.
Identifiers: ClinVar variation 2020455 (VCV002020455.4), dbSNP rs1662106620, ClinGen allele CA344637468.

ClinVar aggregate classification (germline): Uncertain significance (1 of 4 stars; one submission).

gnomAD v4.1: 1 of 1,613,044 alleles (0.000062%); highest among the groups gnomAD compares: Non-Finnish European, 0.000085%; no homozygotes.

Submission:

Labcorp Genetics (formerly Invitae), Labcorp
Classification: Uncertain significance. Last evaluated: 2025-07-14. Review status: criteria provided, single submitter. Criteria: Invitae Variant Classification Sherloc (09022015). Collection method: clinical testing. Allele origin: germline.
Comment: This sequence change replaces glutamic acid, which is acidic and polar, with aspartic acid, which is acidic and polar, at codon 136 of the EPRS protein (p.Glu136Asp). This variant is not present in population databases (gnomAD no frequency). This variant has not been reported in the literature in individuals affected with EPRS-related conditions. ClinVar contains an entry for this variant (Variation ID: 2020455). An algorithm developed to predict the effect of missense changes on protein structure and function outputs the following: PolyPhen-2: "Benign". The aspartic acid amino acid residue is found in multiple mammalian species, which suggests that this missense change does not adversely affect protein function. In summary, the available evidence is currently insufficient to determine the role of this variant in disease. Therefore, it has been classified as a Variant of Uncertain Significance.